The following is an entry in ClinVar:

NM_006197.4(PCM1):c.1866GGA[3] (p.Glu627del)

Gene: PCM1 (pericentriolar material 1; plus strand). Cytogenetic location: 8p22.
Variant type: Microsatellite.
Coding change: c.1866GGA[3] on transcript NM_006197.4 (MANE Select); three copies in a row of the 3-base unit GGA starting at c.1866; the reference has four copies in a row; one copy, 3 bases deleted.
Protein change: p.Glu627del; deletes glutamic acid 627.
Molecular consequence: non-coding transcript variant (on NR_148032.2).
Genome position (GRCh38, 1-based): chr8:17,957,610-17,957,612, GGA deleted; deleting any 3 consecutive bases within chr8:17,957,599-17,957,612 gives the same sequence; the position shown is the placement nearest the transcript's 3' end. VCF-style (leftmost placement, unchanged base first): chr8-17957598-TGAG-T. GRCh37 (hg19) VCF-style: chr8-17815107-TGAG-T.
Other names: c.1866GGA[3], p.Glu627del (NM_001352655.2, NM_001352656.2, NM_001352657.2 and 13 more transcripts); c.1869GGA[3], p.Glu628del (NM_001315508.2, NM_001352635.2, NM_001352640.2 and 2 more transcripts); c.1983GGA[3], p.Glu666del (NM_001352632.2, NM_001352633.2, NM_001352637.2 and 4 more transcripts); c.1986GGA[3], p.Glu667del (NM_001352636.2); short protein forms E627del, E628del, E666del, E667del.
Identifiers: ClinVar variation 3042966 (VCV003042966.2), dbSNP rs556667613, ClinGen allele CA4648858.

ClinVar aggregate classification (germline): Likely benign (0 of 4 stars; one submission).

Conditions:
PCM1-related disorder. Also called: PCM1-related condition.

Submission:

PreventionGenetics, part of Exact Sciences
Classification: Likely benign for PCM1-related condition. Last evaluated: 2022-03-17. Review status: no assertion criteria provided. Collection method: clinical testing. Allele origin: germline.
Comment: This variant is classified as likely benign based on ACMG/AMP sequence variant interpretation guidelines (Richards et al. 2015 PMID: 25741868, with internal and published modifications).